The following is an entry in ClinVar:

NM_000260.4(MYO7A):c.3014C>T (p.Ala1005Val)

Gene: MYO7A (myosin VIIA; plus strand). Cytogenetic location: 11q13.5.
Variant type: single nucleotide variant.
Coding change: c.3014C>T on transcript NM_000260.4 (MANE Select); coding-DNA position 3014, C replaced by T.
Protein change: p.Ala1005Val; replaces alanine 1005 with valine.
Molecular consequence: missense variant.
Genome position (GRCh38, 1-based): chr11:77,182,060, C>T. VCF-style: chr11-77182060-C-T. GRCh37 (hg19) VCF-style: chr11-76893106-C-T.
Other names: c.3014C>T, p.Ala1005Val (NM_001127180.2); c.2981C>T, p.Ala994Val (NM_001369365.1); short protein forms A1005V, A994V.
Identifiers: ClinVar variation 306181 (VCV000306181.14), dbSNP rs113326082, ClinGen allele CA224841733.
Genomic context (GRCh38, chr11:77,182,060, plus strand): 5'-CCCTGCCCCTGCCTGACGAGGATGAGGAGGACCTCTCTGAGTATAAATTTGCCAAGTTCG[C>T]GGCCACCTACTTCCAGGGGACAACCACGCACTCCTACACCCGGCGGCCACTCAAACAGCC-3'
Protein context (NP_000251.3, residues 995-1015): DLSEYKFAKF[Ala1005Val]ATYFQGTTTH

ClinVar aggregate classification (germline): Uncertain significance. Review status: criteria provided, multiple submitters, no conflicts (2 of 4 stars). 7 submissions from 5 submitters: Uncertain significance (5). 2 of the submissions do not count toward it. Last evaluated 2026-01-26.

Conditions:
Usher syndrome type 1 (USH1). Also called: RETINITIS PIGMENTOSA AND CONGENITAL DEAFNESS. Identifiers: Orphanet 231169, Orphanet 886, MedGen C1568247, MONDO:0010168, OMIM 276900.
Autosomal dominant nonsyndromic hearing loss 11. Identifiers: Orphanet 90635, MedGen C1832475, MONDO:0011032, OMIM 601317.
Retinal dystrophy. Also called: Inherited retinal dystrophy. Identifiers: Orphanet 71862, MedGen C0854723, MeSH D058499, MONDO:0019118, HP:0000556.
Hearing impairment. Also called: Impaired Hearing. Identifiers: MedGen C1384666, MONDO:0005365, HP:0000365.
Autosomal recessive nonsyndromic hearing loss 2. Also called: DEAFNESS, AUTOSOMAL RECESSIVE 2; NEUROSENSORY NONSYNDROMIC RECESSIVE DEAFNESS 2. Identifiers: Orphanet 90636, MedGen C1838701, MONDO:0010807, OMIM 600060.
Usher syndrome type 1B (USH1B). Also called: Usher syndrome type IB. Identifiers: MedGen C1848638, MONDO:0700087.

Allele frequency attached by ClinVar (database versions not stated): ExAC 0.00004; gnomAD exomes 0.00004 and 0.00006; TOPMed 0.00004; gnomAD 0.00005.
gnomAD v4.1: 66 of 1,613,378 alleles (0.0041%); highest among the groups gnomAD compares: Middle Eastern, 0.12%; no homozygotes.

Submissions (7):

Labcorp Genetics (formerly Invitae), Labcorp
Classification: Uncertain significance. Last evaluated: 2026-01-26. Review status: criteria provided, single submitter. Criteria: Invitae Variant Classification Sherloc (09022015). Collection method: clinical testing. Allele origin: germline.
Comment: This sequence change replaces alanine, which is neutral and non-polar, with valine, which is neutral and non-polar, at codon 1005 of the MYO7A protein (p.Ala1005Val). This variant is present in population databases (rs113326082, gnomAD 0.01%). This missense change has been observed in individual(s) with autosomal recessive MYO7A-related conditions (PMID: 38219857). ClinVar contains an entry for this variant (Variation ID: 306181). Invitae Evidence Modeling of protein sequence and biophysical properties (such as structural, functional, and spatial information, amino acid conservation, physicochemical variation, residue mobility, and thermodynamic stability) has been performed for this missense variant. However, the output from this modeling did not meet the statistical confidence thresholds required to predict the impact of this variant on MYO7A protein function. In summary, the available evidence is currently insufficient to determine the role of this variant in disease. Therefore, it has been classified as a Variant of Uncertain Significance.

Department of Otolaryngology – Head & Neck Surgery, Cochlear Implant Center
Classification: Uncertain significance for Hearing impairment. Last evaluated: 2021-04-12. Review status: criteria provided, single submitter. Criteria: ClinGen HL ACMG Specifications v1. Collection method: clinical testing. Allele origin: germline. Affected: yes.
Comment: PP3_Supporting, BP5_Supporting

Illumina Laboratory Services, Illumina
Classification: Uncertain significance for Autosomal dominant nonsyndromic hearing loss 11. Last evaluated: 2018-01-13. Review status: criteria provided, single submitter. Criteria: ICSL Variant Classification Criteria 13 December 2019. Collection method: clinical testing. Allele origin: germline.

Illumina Laboratory Services, Illumina
Classification: Uncertain significance for Autosomal recessive nonsyndromic hearing loss 2. Last evaluated: 2018-01-13. Review status: criteria provided, single submitter. Criteria: ICSL Variant Classification Criteria 13 December 2019. Collection method: clinical testing. Allele origin: germline.

Illumina Laboratory Services, Illumina
Classification: Uncertain significance for Usher syndrome type 1. Last evaluated: 2018-01-13. Review status: criteria provided, single submitter. Criteria: ICSL Variant Classification Criteria 13 December 2019. Collection method: clinical testing. Allele origin: germline.

Institute of Human Genetics, Univ. Regensburg, Univ. Regensburg
Classification: Uncertain significance for Retinal dystrophy. Last evaluated: 2023-01-01. Review status: no assertion criteria provided. Criteria: ACMG Guidelines, 2015. Collection method: clinical testing. Allele origin: germline. Affected: yes. Not counted in ClinVar's aggregate classification.

Natera, Inc.
Classification: Uncertain significance for Usher syndrome type 1B. Last evaluated: 2020-04-16. Review status: no assertion criteria provided. Collection method: clinical testing. Allele origin: germline. Not counted in ClinVar's aggregate classification.

Literature cited by the submitters: PubMed 38219857 (cited by Labcorp Genetics (formerly Invitae), Labcorp).